The following is an entry in ClinVar:

ClinVar aggregate classification (germline): Uncertain significance (1 of 4 stars; one submission).

Conditions:
Familial adenomatous polyposis 2. Also called: COLORECTAL ADENOMATOUS POLYPOSIS, AUTOSOMAL RECESSIVE; ADENOMAS, MULTIPLE COLORECTAL, AUTOSOMAL RECESSIVE; Adenomas, multiple colorectal; FAP type 2; MUTYH Polyposis; MUTYH-associated polyposis. Identifiers: Orphanet 220460, Orphanet 247798, MedGen C3272841, MONDO:0012041, OMIM 608456.

Allele frequency attached by ClinVar (database versions not stated): gnomAD exomes below 0.00001.
gnomAD v4.1: 1 of 1,614,084 alleles (0.000062%); highest among the groups gnomAD compares: East Asian, 0.0022%; no homozygotes.

Submission:

Labcorp Genetics (formerly Invitae), Labcorp
Classification: Uncertain significance for Familial adenomatous polyposis 2. Last evaluated: 2020-07-24. Review status: criteria provided, single submitter. Criteria: Invitae Variant Classification Sherloc (09022015). Collection method: clinical testing. Allele origin: germline.
Comment: In summary, the available evidence is currently insufficient to determine the role of this variant in disease. Therefore, it has been classified as a Variant of Uncertain Significance. Algorithms developed to predict the effect of missense changes on protein structure and function are either unavailable or do not agree on the potential impact of this missense change (SIFT: "Deleterious"; PolyPhen-2: "Possibly Damaging"; Align-GVGD: "Class C0"). This variant has not been reported in the literature in individuals with MUTYH-related conditions. This variant is not present in population databases (ExAC no frequency). This sequence change replaces leucine with valine at codon 265 of the MUTYH protein (p.Leu265Val). The leucine residue is highly conserved and there is a small physicochemical difference between leucine and valine.

NM_001048174.2(MUTYH):c.709C>G (p.Leu237Val)

Gene: MUTYH (mutY DNA glycosylase; minus strand). Cytogenetic location: 1p34.1.
Variant type: single nucleotide variant.
Coding change: c.709C>G on transcript NM_001048174.2 (MANE Select); coding-DNA position 709, C replaced by G.
Protein change: p.Leu237Val; replaces leucine 237 with valine.
Molecular consequence: missense variant. On other transcripts: non-coding transcript variant (2).
Genome position (GRCh38, 1-based): chr1:45,332,306, G>C on the plus strand (C>G on the coding strand, the complement: MUTYH is on the minus strand). VCF-style: chr1-45332306-G-C. GRCh37 (hg19) VCF-style: chr1-45797978-G-C.
Other names: c.712C>G, p.Leu238Val (NM_001048172.2); c.709C>G, p.Leu237Val (NM_001048173.2, NM_001293195.2, NM_001048171.2); c.793C>G, p.Leu265Val (NM_001128425.2); c.754C>G, p.Leu252Val (NM_001293190.2); c.742C>G, p.Leu248Val (NM_001293191.2); c.433C>G, p.Leu145Val (NM_001293192.2, NM_001293196.2); c.364C>G, p.Leu122Val (NM_001350650.2, NM_001350651.2); c.784C>G, p.Leu262Val (NM_012222.3); short protein forms L122V, L145V, L237V, L238V, L248V, L252V, L262V, L265V.
Identifiers: ClinVar variation 1002830 (VCV001002830.8), dbSNP rs878854194, ClinGen allele CA340134721.